The following is an entry in ClinVar:

NM_000038.6(APC):c.834+8A>T

Gene: APC (APC regulator of Wnt signaling pathway; plus strand). Cytogenetic location: 5q22.2.
Variant type: single nucleotide variant.
Coding change: c.834+8A>T on transcript NM_000038.6 (MANE Select); 8 bases into the intron after coding-DNA position 834, A replaced by T.
Molecular consequence: intron variant.
Genome position (GRCh38, 1-based): chr5:112,801,391, A>T. VCF-style: chr5-112801391-A-T. GRCh37 (hg19) VCF-style: chr5-112137088-A-T.
Other names: c.-202+8A>T (NM_001407470.1, NM_001407472.1, NM_001354906.2 and 1 more transcripts); c.834+8A>T (NM_001407447.1, NM_001354895.2, NM_001407456.1 and 12 more transcripts); c.750+8A>T (NM_001407452.1, NM_001407469.1, NM_001354899.2 and 1 more transcripts); c.864+8A>T (NM_001407446.1, NM_001354897.2, NM_001354902.2); c.780+8A>T (NM_001127511.3); c.657+8A>T (NM_001407453.1, NM_001354900.2, NM_001354901.2 and 1 more transcripts); c.759+8A>T (NM_001407451.1, NM_001354898.2, NM_001354904.2).
Identifiers: ClinVar variation 2705835 (VCV002705835.4), dbSNP rs2149712692, ClinGen allele CA2674866031.

ClinVar aggregate classification (germline): Likely benign. Review status: criteria provided, multiple submitters, no conflicts (2 of 4 stars). 2 submissions from 2 submitters: Likely benign (2). Last evaluated 2025-03-04.

Conditions:
Familial adenomatous polyposis 1 (FAP1). Also called: POLYPOSIS, ADENOMATOUS INTESTINAL; FAMILIAL ADENOMATOUS POLYPOSIS 1, ATTENUATED. Identifiers: MedGen C2713442, MONDO:0021056, OMIM 175100. Disease mechanism: loss of function.

Submissions (2):

Labcorp Genetics (formerly Invitae), Labcorp
Classification: Likely benign for Familial adenomatous polyposis 1. Last evaluated: 2025-03-04. Review status: criteria provided, single submitter. Criteria: Invitae Variant Classification Sherloc (09022015). Collection method: clinical testing. Allele origin: germline.

Myriad Genetics, Inc.
Classification: Likely benign for Familial adenomatous polyposis 1. Last evaluated: 2024-02-27. Review status: criteria provided, single submitter. Criteria: Myriad Autosomal Dominant, Autosomal Recessive and X-Linked Classification Criteria (2023). Collection method: clinical testing. Allele origin: unknown.
Comment: This variant is considered likely benign. This variant is intronic and is not expected to impact mRNA splicing.